The following is an entry in ClinVar:

NM_001042492.3(NF1):c.2942A>G (p.Glu981Gly)

Gene: NF1 (neurofibromin 1; plus strand). Cytogenetic location: 17q11.2.
Variant type: single nucleotide variant.
Coding change: c.2942A>G on transcript NM_001042492.3 (MANE Select); coding-DNA position 2942, A replaced by G.
Protein change: p.Glu981Gly; replaces glutamic acid 981 with glycine.
Molecular consequence: missense variant.
Genome position (GRCh38, 1-based): chr17:31,229,926, A>G. VCF-style: chr17-31229926-A-G. GRCh37 (hg19) VCF-style: chr17-29556944-A-G.
Other names: c.2942A>G, p.Glu981Gly (NM_000267.4); short protein forms E981G.
Identifiers: ClinVar variation 864160 (VCV000864160.6), dbSNP rs2067084366, ClinGen allele CA398986281.
Genomic context (GRCh38, chr17:31,229,926, plus strand): 5'-TAGAACAAACCATAGCTATAATGAAGAACTTGCTAGATAATCATACTGAAGGCAGCTCTG[A>G]ACATCTAGGGCAAGCTAGCATTGAAACAATGATGTTAAATCTGGTCAGGTAAGCATTCTA-3'
Protein context (NP_001035957.1, residues 971-991): LLDNHTEGSS[Glu981Gly]HLGQASIETM

ClinVar aggregate classification (germline): Uncertain significance (1 of 4 stars; one submission).

Conditions:
Neurofibromatosis, type 1 (NF1). Also called: Neurofibromatosis, type I; VON RECKLINGHAUSEN DISEASE; Peripheral type neurofibromatosis; NEUROFIBROMATOSIS, TYPE I, SOMATIC. Identifiers: Orphanet 636, MedGen C0027831, MONDO:0018975, OMIM 162200. Disease mechanism: loss of function.

Submission:

Labcorp Genetics (formerly Invitae), Labcorp
Classification: Uncertain significance for Neurofibromatosis, type 1. Last evaluated: 2019-02-24. Review status: criteria provided, single submitter. Criteria: Invitae Variant Classification Sherloc (09022015). Collection method: clinical testing. Allele origin: germline.
Comment: In summary, the available evidence is currently insufficient to determine the role of this variant in disease. Therefore, it has been classified as a Variant of Uncertain Significance. Algorithms developed to predict the effect of missense changes on protein structure and function are either unavailable or do not agree on the potential impact of this missense change (SIFT: "Deleterious"; PolyPhen-2: "Probably Damaging"; Align-GVGD: "Class C0"). This variant has not been reported in the literature in individuals with NF1-related conditions. This variant is not present in population databases (ExAC no frequency). This sequence change replaces glutamic acid with glycine at codon 981 of the NF1 protein (p.Glu981Gly). The glutamic acid residue is moderately conserved and there is a moderate physicochemical difference between glutamic acid and glycine.